The following is an entry in ClinVar:

ClinVar aggregate classification (germline): Uncertain significance (1 of 4 stars; one submission).

Conditions:
Epidermolysis bullosa simplex 5B, with muscular dystrophy (EBS5B). Also called: Epidermolysis bullosa simplex with muscular dystrophy; EPIDERMOLYSIS BULLOSA SIMPLEX AND LIMB-GIRDLE MUSCULAR DYSTROPHY. Identifiers: Orphanet 257, MedGen C2931072, MONDO:0009181, OMIM 226670.
Epidermolysis bullosa simplex, Ogna type (EBS5A). Also called: Pidermolysis bullosa simplex 5A, Ogna type; EPIDERMOLYSIS BULLOSA SIMPLEX 5A, OGNA TYPE. Identifiers: Orphanet 79401, MedGen C0432317, MONDO:0007555, OMIM 131950.
Autosomal recessive limb-girdle muscular dystrophy type 2Q (LGMDR17). Also called: MUSCULAR DYSTROPHY, LIMB-GIRDLE, AUTOSOMAL RECESSIVE 17. Identifiers: Orphanet 254361, MedGen C3150989, MONDO:0013390, OMIM 613723.
Epidermolysis bullosa simplex with nail dystrophy (EBS5D). Identifiers: MedGen C4225309, MONDO:0014661, OMIM 616487.
Epidermolysis bullosa simplex 5C, with pyloric atresia (EBS5C). Also called: Epidermolysis bullosa simplex with pyloric atresia; PLEC-Related Epidermolysis Bullosa with Pyloric Atresia; PLEC1-Related Epidermolysis Bullosa with Pyloric Atresia. Identifiers: Orphanet 158684, MedGen C2677349, MONDO:0012807, OMIM 612138.

Allele frequency attached by ClinVar (database versions not stated): gnomAD exomes below 0.00001.
gnomAD v4.1: 1 of 1,594,516 alleles (0.000063%); highest among the groups gnomAD compares: African/African-American, 0.0013%; no homozygotes.

Submission:

Labcorp Genetics (formerly Invitae), Labcorp
Classification: Uncertain significance for Autosomal recessive limb-girdle muscular dystrophy type 2Q; Epidermolysis bullosa simplex, Ogna type; Epidermolysis bullosa simplex with nail dystrophy; Epidermolysis bullosa simplex 5C, with pyloric atresia; Epidermolysis bullosa simplex 5B, with muscular dystrophy. Last evaluated: 2021-04-14. Review status: criteria provided, single submitter. Criteria: Invitae Variant Classification Sherloc (09022015). Collection method: clinical testing. Allele origin: germline.
Comment: Algorithms developed to predict the effect of missense changes on protein structure and function are either unavailable or do not agree on the potential impact of this missense change (SIFT: "Tolerated"; PolyPhen-2: "Not Available"; Align-GVGD: "Class C0"). In summary, the available evidence is currently insufficient to determine the role of this variant in disease. Therefore, it has been classified as a Variant of Uncertain Significance. This variant has not been reported in the literature in individuals with PLEC-related conditions. This variant is not present in population databases (ExAC no frequency). This sequence change replaces leucine with phenylalanine at codon 869 of the PLEC protein (p.Leu869Phe). The leucine residue is highly conserved and there is a small physicochemical difference between leucine and phenylalanine.

NM_201384.3(PLEC):c.2524C>T (p.Leu842Phe)

Gene: PLEC (plectin; minus strand). Cytogenetic location: 8q24.3.
Variant type: single nucleotide variant.
Coding change: c.2524C>T on transcript NM_201384.3 (MANE Select); coding-DNA position 2524, C replaced by T.
Protein change: p.Leu842Phe; replaces leucine 842 with phenylalanine.
Molecular consequence: missense variant.
Genome position (GRCh38, 1-based): chr8:143,930,232, G>A on the plus strand (C>T on the coding strand, the complement: PLEC is on the minus strand). VCF-style: chr8-143930232-G-A. GRCh37 (hg19) VCF-style: chr8-145004400-G-A.
Other names: c.2605C>T, p.Leu869Phe (NM_000445.5); c.2482C>T, p.Leu828Phe (NM_201378.4); c.2458C>T, p.Leu820Phe (NM_201379.3); c.2935C>T, p.Leu979Phe (NM_201380.4); c.2428C>T, p.Leu810Phe (NM_201381.3); c.2524C>T, p.Leu842Phe (NM_201382.4); c.2536C>T, p.Leu846Phe (NM_201383.3); short protein forms L810F, L842F, L846F, L979F, L828F, L820F, L869F.
Identifiers: ClinVar variation 1385701 (VCV001385701.8), dbSNP rs905343536, ClinGen allele CA187619355.